The following is an entry in ClinVar:

ClinVar aggregate classification (germline): Uncertain significance. Review status: criteria provided, multiple submitters, no conflicts (2 of 4 stars). 2 submissions from 2 submitters: Uncertain significance (2). Last evaluated 2025-05-20.

Conditions:
Inborn genetic diseases. Identifiers: MedGen C0950123, MeSH D030342.

Submissions (2):

GeneDx
Classification: Uncertain significance. Last evaluated: 2025-05-20. Review status: criteria provided, single submitter. Criteria: GeneDx Variant Classification Process June 2021. Collection method: clinical testing. Allele origin: germline. Affected: yes.
Comment: Not observed at significant frequency in large population cohorts (gnomAD); In silico analysis supports that this missense variant has a deleterious effect on protein structure/function; Has not been previously published as pathogenic or benign to our knowledge

Ambry Genetics
Classification: Uncertain significance for Inborn genetic diseases. Last evaluated: 2025-03-10. Review status: criteria provided, single submitter. Criteria: Ambry Variant Classification Scheme 2023. Collection method: clinical testing. Allele origin: germline.
Comment: The c.2135G>A (p.R712K) alteration is located in exon 19 (coding exon 18) of the EZH2 gene. This alteration results from a G to A substitution at nucleotide position 2135, causing the arginine (R) at amino acid position 712 to be replaced by a lysine (K). This variant was not reported in population-based cohorts in the Genome Aggregation Database (gnomAD). This amino acid position is highly conserved in available vertebrate species. This missense alteration is located in a region that has a low rate of benign missense variation (Lek, 2016; Firth, 2009). This alteration is predicted to be deleterious by in silico analysis. Based on insufficient or conflicting evidence, the clinical significance of this alteration remains unclear.

NM_004456.5(EZH2):c.2135G>A (p.Arg712Lys)

Gene: EZH2 (enhancer of zeste 2 polycomb repressive complex 2 subunit; minus strand). Cytogenetic location: 7q36.1.
Variant type: single nucleotide variant.
Coding change: c.2135G>A on transcript NM_004456.5 (MANE Select); coding-DNA position 2135, G replaced by A.
Protein change: p.Arg712Lys; replaces arginine 712 with lysine.
Molecular consequence: missense variant.
Genome position (GRCh38, 1-based): chr7:148,809,131, C>T on the plus strand (G>A on the coding strand, the complement: EZH2 is on the minus strand). VCF-style: chr7-148809131-C-T. GRCh37 (hg19) VCF-style: chr7-148506223-C-T.
Other names: c.2120G>A, p.Arg707Lys (NM_001203247.2); c.2093G>A, p.Arg698Lys (NM_001203248.2); c.1967G>A, p.Arg656Lys (NM_001203249.2); c.2003G>A, p.Arg668Lys (NM_152998.3); short protein forms R656K, R668K, R698K, R712K, R707K.
Identifiers: ClinVar variation 3846967 (VCV003846967.2).
Genomic context (GRCh38, chr7:148,809,131, plus strand): 5'-CTGTAATCAAAAAACAGCTCTTCGCCAGTCTGGATGGCTCTCTTGGCAAAAATACCTATC[C>T]TGTGATCACCGTTAACCATCATAACTGCAAAGAGACACACTGGTGTCAGTGAGCATGAAG-3'
Protein context (NP_004447.2, residues 702-722): AKVMMVNGDH[Arg712Lys]IGIFAKRAIQ